The following is an entry in ClinVar:

NM_006757.4(TNNT3):c.302C>T (p.Ala101Val)

Gene: TNNT3 (troponin T3, fast skeletal type; plus strand). Cytogenetic location: 11p15.5.
Variant type: single nucleotide variant.
Coding change: c.302C>T on transcript NM_006757.4 (MANE Select); coding-DNA position 302, C replaced by T.
Protein change: p.Ala101Val; replaces alanine 101 with valine.
Molecular consequence: missense variant.
Genome position (GRCh38, 1-based): chr11:1,933,944, C>T. VCF-style: chr11-1933944-C-T. GRCh37 (hg19) VCF-style: chr11-1955174-C-T.
Other names: c.278C>T, p.Ala93Val (NM_001042780.3, NM_001042782.3, NM_001297646.2 and 2 more transcripts); c.296C>T, p.Ala99Val (NM_001042781.3, NM_001367842.1, NM_001367843.1); c.311C>T, p.Ala104Val (NM_001363561.2, NM_001367847.1); c.335C>T, p.Ala112Val (NM_001367846.1); c.299C>T, p.Ala100Val (NM_001367848.1); c.290C>T, p.Ala97Val (NM_001367849.1); c.245C>T, p.Ala82Val (NM_001367850.1); c.98C>T, p.Ala33Val (NM_001367851.1, NM_001367852.1); short protein forms A99V, A100V, A101V, A104V, A112V, A33V, A82V, A93V.
Identifiers: ClinVar variation 3621571 (VCV003621571.2).
Genomic context (GRCh38, chr11:1,933,944, plus strand): 5'-GGAGGAGCCGGGGACAGGGCTGAGCAGACCCCCTTCTCTGGCTGCAGGAGAAGCGCCGTG[C>T]AGAGAGAGCGGAGCAGCAGAGGATTCGTGCAGAGAAGGAGAGGGAGCGCCAGAACAGACT-3'
Protein context (NP_006748.1, residues 91-111): ALKERIEKRR[Ala101Val]ERAEQQRIRA

ClinVar aggregate classification (germline): Uncertain significance (1 of 4 stars; one submission).

gnomAD v4.1: 9 of 1,612,746 alleles (0.00056%); highest among the groups gnomAD compares: South Asian, 0.0088%; no homozygotes.

Submission:

Labcorp Genetics (formerly Invitae), Labcorp
Classification: Uncertain significance. Last evaluated: 2024-05-10. Review status: criteria provided, single submitter. Criteria: Invitae Variant Classification Sherloc (09022015). Collection method: clinical testing. Allele origin: germline.
Comment: This sequence change replaces alanine, which is neutral and non-polar, with valine, which is neutral and non-polar, at codon 101 of the TNNT3 protein (p.Ala101Val). This variant is present in population databases (rs377446757, gnomAD 0.01%). This variant has not been reported in the literature in individuals affected with TNNT3-related conditions. An algorithm developed to predict the effect of missense changes on protein structure and function (PolyPhen-2) suggests that this variant is likely to be disruptive. In summary, the available evidence is currently insufficient to determine the role of this variant in disease. Therefore, it has been classified as a Variant of Uncertain Significance.